The following is an entry in ClinVar:

NM_001099439.2(EPHA10):c.1602G>A (p.Pro534=)

Gene: EPHA10 (EPH receptor A10; minus strand). Cytogenetic location: 1p34.3.
Variant type: single nucleotide variant.
Coding change: c.1602G>A on transcript NM_001099439.2 (MANE Select); coding-DNA position 1602, G replaced by A.
Protein change: p.Pro534=; no amino-acid change (proline 534 retained).
Molecular consequence: synonymous variant.
Genome position (GRCh38, 1-based): chr1:37,731,472, C>T on the plus strand (G>A on the coding strand, the complement: EPHA10 is on the minus strand). VCF-style: chr1-37731472-C-T. GRCh37 (hg19) VCF-style: chr1-38197144-C-T.
Other names: NC_000001.10:g.38197144C>T; c.1602G>A (NM_001099439.1).
Identifiers: ClinVar variation 2638680 (VCV002638680.26), dbSNP rs77925917, ClinGen allele CA773948.

ClinVar aggregate classification (germline): Likely benign. Review status: criteria provided, multiple submitters, no conflicts (2 of 4 stars). 2 submissions from 2 submitters: Likely benign (2). Last evaluated 2025-08-03.

Allele frequency attached by ClinVar (database versions not stated): 1000 Genomes Project 30x 0.00031; 1000 Genomes Project 0.00040; gnomAD 0.00042; TOPMed 0.00045; ESP Exome Variant Server 0.00050.

Submissions (3):

Ambry Genetics
Classification: Likely benign. Last evaluated: 2025-08-03. Review status: criteria provided, single submitter. Criteria: Ambry Variant Classification Scheme 2023. Collection method: clinical testing. Allele origin: germline.

CeGaT Center for Human Genetics Tuebingen
Classification: Likely benign. Last evaluated: 2022-09-01. Review status: criteria provided, single submitter. Criteria: CeGaT Center For Human Genetics Tuebingen Variant Classification Criteria Version 2. Collection method: clinical testing. Allele origin: germline. Affected: yes. Observed: 1 variant allele.
Comment: EPHA10: BP4, BP7, BS2

Dr. Peter K. Rogan Lab, Western University
No classification provided (evidence only). Condition: Ovarian serous cystadenocarcinoma. Review status: no classification provided. Collection method: in vitro. Allele origin: not applicable. Functional consequence: retained intron. Not counted in ClinVar's aggregate classification.